The following is an entry in ClinVar:

ClinVar aggregate classification (germline): Benign (1 of 4 stars; one submission).

Conditions:
Episodic ataxia type 6. Identifiers: Orphanet 209967, MedGen C2675211, MONDO:0012982, OMIM 612656.

Allele frequency attached by ClinVar (database versions not stated): gnomAD 0.01860 and 0.01986; TOPMed 0.02085; 1000 Genomes Project 0.02456; 1000 Genomes Project 30x 0.02655.

Submission:

Illumina Laboratory Services, Illumina
Classification: Benign for Episodic ataxia type 6. Last evaluated: 2018-01-13. Review status: criteria provided, single submitter. Criteria: ICSL Variant Classification Criteria 13 December 2019. Collection method: clinical testing. Allele origin: germline.
Comment: This variant was observed in the ICSL laboratory as part of a predisposition screen in an ostensibly healthy population. It had not been previously curated by ICSL or reported in the Human Gene Mutation Database (HGMD: prior to June 1st, 2018), and was therefore a candidate for classification through an automated scoring system. Utilizing variant allele frequency, disease prevalence and penetrance estimates, and inheritance mode, an automated score was calculated to assess if this variant is too frequent to cause the disease. Based on the score and internal cut-off values, a variant classified as benign is not then subjected to further curation. The score for this variant resulted in a classification of benign for this disease.

NM_004172.5(SLC1A3):c.*981G>A

Genes: SLC1A3 (solute carrier family 1 member 3; plus strand), SLC1A3-AS1 (SLC1A3 antisense RNA 1; minus strand). Cytogenetic location: 5p13.2.
Variant type: single nucleotide variant.
Coding change: c.*981G>A on transcript NM_004172.5 (MANE Select); 981 bases downstream of the stop codon, G replaced by A.
Molecular consequence: 3 prime UTR variant.
Genome position (GRCh38, 1-based): chr5:36,687,250, G>A. VCF-style: chr5-36687250-G-A. GRCh37 (hg19) VCF-style: chr5-36687352-G-A.
Other names: c.*981G>A (NM_001166695.3, NM_001289939.2, NM_001289940.2).
Identifiers: ClinVar variation 353343 (VCV000353343.5), dbSNP rs890922, ClinGen allele CA10624563.